The following is an entry in ClinVar:

ClinVar aggregate classification (germline): Benign/Likely benign. Review status: criteria provided, multiple submitters, no conflicts (2 of 4 stars). 5 submissions from 5 submitters: Benign (2); Likely benign (3). Last evaluated 2026-01-27.

Conditions:
Brugada syndrome. Also called: Sudden unexpected nocturnal death syndrome; Sudden unexplained nocturnal death syndrome; Sudden Unexplained Death Syndrome; Sudden Unexplained Nocturnal Death Syndrome (SUNDS). Identifiers: Orphanet 130, MedGen C1142166, MONDO:0015263.

Allele frequency attached by ClinVar (database versions not stated): TOPMed 0.00070; gnomAD 0.00072; ESP Exome Variant Server 0.00085; 1000 Genomes Project 0.00140; 1000 Genomes Project 30x 0.00141; gnomAD exomes 0.00008 and 0.00019; ExAC 0.00028.
gnomAD v4.1: 231 of 1,440,506 alleles (0.016%); highest among the groups gnomAD compares: African/African-American, 0.27%; no homozygotes.

Submissions (5):

Labcorp Genetics (formerly Invitae), Labcorp
Classification: Benign for Brugada syndrome. Last evaluated: 2026-01-27. Review status: criteria provided, single submitter. Criteria: Invitae Variant Classification Sherloc (09022015). Collection method: clinical testing. Allele origin: germline.

Women's Health and Genetics/Laboratory Corporation of America, LabCorp
Classification: Benign. Last evaluated: 2026-01-02. Review status: criteria provided, single submitter. Criteria: LabCorp Variant Classification Summary - May 2015. Collection method: clinical testing. Allele origin: germline.

Blueprint Genetics
Classification: Likely benign. Last evaluated: 2024-11-13. Review status: criteria provided, single submitter. Criteria: ACMG Guidelines, 2015. Collection method: clinical testing. Allele origin: germline.

GeneDx
Classification: Likely benign. Last evaluated: 2016-11-11. Review status: criteria provided, single submitter. Criteria: GeneDx Variant Classification (06012015). Collection method: clinical testing. Allele origin: germline. Affected: yes.
Comment: This variant is considered likely benign or benign based on one or more of the following criteria: it is a conservative change, it occurs at a poorly conserved position in the protein, it is predicted to be benign by multiple in silico algorithms, and/or has population frequency not consistent with disease.

Breakthrough Genomics
Classification: Likely benign. Review status: criteria provided, single submitter. Criteria: ACMG Guidelines, 2015. Collection method: not provided. Allele origin: germline. Inheritance: Autosomal dominant inheritance. Affected: yes.

NM_006514.4(SCN10A):c.1867+13C>T

Gene: SCN10A (sodium voltage-gated channel alpha subunit 10; minus strand). Cytogenetic location: 3p22.2.
Variant type: single nucleotide variant.
Coding change: c.1867+13C>T on transcript NM_006514.4 (MANE Select); 13 bases into the intron after coding-DNA position 1867, C replaced by T.
Molecular consequence: intron variant.
Genome position (GRCh38, 1-based): chr3:38,750,060, G>A on the plus strand (C>T on the coding strand, the complement: SCN10A is on the minus strand). VCF-style: chr3-38750060-G-A. GRCh37 (hg19) VCF-style: chr3-38791551-G-A.
Other names: c.1573+13C>T (NM_001293307.2); c.1867+13C>T (NM_001293306.2).
Identifiers: ClinVar variation 390735 (VCV000390735.12), dbSNP rs138063699, ClinGen allele CA2320723.